The following is an entry in ClinVar:

NM_013280.5(FLRT1):c.437C>T (p.Ser146Leu)

Genes: MACROD1 (mono-ADP ribosylhydrolase 1; minus strand), FLRT1 (fibronectin leucine rich transmembrane protein 1; plus strand). Cytogenetic location: 11q13.1.
Variant type: single nucleotide variant.
Coding change: c.437C>T on transcript NM_013280.5 (MANE Select); coding-DNA position 437, C replaced by T.
Protein change: p.Ser146Leu; replaces serine 146 with leucine.
Molecular consequence: missense variant. On other transcripts: intron variant (2).
Genome position (GRCh38, 1-based): chr11:64,116,704, C>T. VCF-style: chr11-64116704-C-T. GRCh37 (hg19) VCF-style: chr11-63884176-C-T.
Other names: c.437C>T, p.Ser146Leu (NM_001384466.1); c.353C>T, p.Ser118Leu (NM_001423967.1); c.517+34535G>A (NM_001411019.1, NM_014067.4); short protein forms S146L, S118L.
Identifiers: ClinVar variation 579757 (VCV000579757.11), dbSNP rs756250929, ClinGen allele CA6067476.
Genomic context (GRCh38, chr11:64,116,704, plus strand): 5'-CCCGCTCCCTCCGGGAGCTGCACCTGCAGGACAACAATGTGCGCACCATTGCCAGGGACT[C>T]GCTGGCCCGCATCCCGCTGCTGGAGAAGCTGCACCTGGATGACAACTCCGTGTCCACCGT-3'
Protein context (NP_037412.2, residues 136-156): DNNVRTIARD[Ser146Leu]LARIPLLEKL

ClinVar aggregate classification (germline): Uncertain significance. Review status: criteria provided, multiple submitters, no conflicts (2 of 4 stars). 2 submissions from 2 submitters: Uncertain significance (2). Last evaluated 2024-01-29.

Conditions:
Peripheral neuropathy. Also called: Neuropathy. Identifiers: MedGen C0031117, MONDO:0005244, HP:0009830.

Allele frequency attached by ClinVar (database versions not stated): gnomAD 0.00004 and 0.00005; gnomAD exomes 0.00005 and 0.00020; TOPMed 0.00009; ExAC 0.00019.
gnomAD v4.1: 88 of 1,613,696 alleles (0.0055%); highest among the groups gnomAD compares: Admixed American, 0.09%; no homozygotes.

Submissions (2):

Ambry Genetics
Classification: Uncertain significance. Last evaluated: 2024-01-29. Review status: criteria provided, single submitter. Criteria: Ambry Variant Classification Scheme 2023. Collection method: clinical testing. Allele origin: germline.

Labcorp Genetics (formerly Invitae), Labcorp
Classification: Uncertain significance for Peripheral neuropathy. Last evaluated: 2022-07-05. Review status: criteria provided, single submitter. Criteria: Invitae Variant Classification Sherloc (09022015). Collection method: clinical testing. Allele origin: germline.
Comment: The frequency data for this variant in the population databases is considered unreliable, as metrics indicate poor data quality at this position in the gnomAD database. This sequence change replaces serine, which is neutral and polar, with leucine, which is neutral and non-polar, at codon 146 of the FLRT1 protein (p.Ser146Leu). In summary, the available evidence is currently insufficient to determine the role of this variant in disease. Therefore, it has been classified as a Variant of Uncertain Significance. Algorithms developed to predict the effect of missense changes on protein structure and function are either unavailable or do not agree on the potential impact of this missense change (SIFT: "Deleterious"; PolyPhen-2: "Benign"; Align-GVGD: "Class C15"). ClinVar contains an entry for this variant (Variation ID: 579757). This variant has not been reported in the literature in individuals affected with FLRT1-related conditions.